The following is an entry in ClinVar:

ClinVar aggregate classification (germline): Uncertain significance (1 of 4 stars; one submission).

Conditions:
Very long chain acyl-CoA dehydrogenase deficiency (ACADVLD). Also called: Very Long-Chain Acyl-Coenzyme A Dehydrogenase Deficiency; VLCAD Deficiency. Identifiers: Orphanet 26793, MedGen C3887523, MONDO:0008723, OMIM 201475.

Submission:

Labcorp Genetics (formerly Invitae), Labcorp
Classification: Uncertain significance for Very long chain acyl-CoA dehydrogenase deficiency. Last evaluated: 2024-10-03. Review status: criteria provided, single submitter. Criteria: Invitae Variant Classification Sherloc (09022015). Collection method: clinical testing. Allele origin: germline.
Comment: This sequence change replaces proline, which is neutral and non-polar, with alanine, which is neutral and non-polar, at codon 295 of the ACADVL protein (p.Pro295Ala). This variant is not present in population databases (gnomAD no frequency). This variant has not been reported in the literature in individuals affected with ACADVL-related conditions. ClinVar contains an entry for this variant (Variation ID: 1037843). Invitae Evidence Modeling of protein sequence and biophysical properties (such as structural, functional, and spatial information, amino acid conservation, physicochemical variation, residue mobility, and thermodynamic stability) indicates that this missense variant is not expected to disrupt ACADVL protein function with a negative predictive value of 80%. This variant disrupts the p.Pro295 amino acid residue in ACADVL. Other variant(s) that disrupt this residue have been determined to be pathogenic (PMID: 30194637). This suggests that this residue is clinically significant, and that variants that disrupt this residue are likely to be disease-causing. In summary, the available evidence is currently insufficient to determine the role of this variant in disease. Therefore, it has been classified as a Variant of Uncertain Significance.

Literature cited by the submitters: PubMed 30194637.

NM_000018.4(ACADVL):c.883C>G (p.Pro295Ala)

Gene: ACADVL (acyl-CoA dehydrogenase very long chain; plus strand). Cytogenetic location: 17p13.1.
Variant type: single nucleotide variant.
Coding change: c.883C>G on transcript NM_000018.4 (MANE Select); coding-DNA position 883, C replaced by G.
Protein change: p.Pro295Ala; replaces proline 295 with alanine.
Molecular consequence: missense variant.
Genome position (GRCh38, 1-based): chr17:7,222,671, C>G. VCF-style: chr17-7222671-C-G. GRCh37 (hg19) VCF-style: chr17-7125990-C-G.
Other names: c.817C>G, p.Pro273Ala (NM_001033859.3); c.952C>G, p.Pro318Ala (NM_001270447.2); c.655C>G, p.Pro219Ala (NM_001270448.2); short protein forms P273A, P219A, P295A, P318A.
Identifiers: ClinVar variation 1037843 (VCV001037843.8), dbSNP rs1327386820, ClinGen allele CA397723896.
Genomic context (GRCh38, chr17:7,222,671, plus strand): 5'-CCCCCAGTGACAACCTGTTGAACACACCTCTGCTTTCCCACACTGCCCTGACACAGTGGG[C>G]CCCCTGAGAAGAAGATGGGCATCAAGGCTTCAAACACAGCAGAGGTGTTCTTTGATGGAG-3'
Protein context (NP_000009.1, residues 285-305): ERGFGGITHG[Pro295Ala]PEKKMGIKAS